The following is an entry in ClinVar:

NM_144997.7(FLCN):c.1429C>T (p.Arg477Ter)

Gene: FLCN (folliculin; minus strand). Cytogenetic location: 17p11.2.
Variant type: single nucleotide variant.
Coding change: c.1429C>T on transcript NM_144997.7 (MANE Select); coding-DNA position 1429, C replaced by T.
Protein change: p.Arg477Ter; replaces arginine 477 with a stop codon.
Molecular consequence: nonsense.
Genome position (GRCh38, 1-based): chr17:17,215,188, G>A on the plus strand (C>T on the coding strand, the complement: FLCN is on the minus strand). VCF-style: chr17-17215188-G-A. GRCh37 (hg19) VCF-style: chr17-17118502-G-A.
Other names: p.Arg477*; c.1429C>T (LRG_325t1, NM_144997.6); c.1483C>T, p.Arg495Ter (NM_001353229.2); c.1429C>T, p.Arg477Ter (NM_001353230.2, NM_001353231.2); short protein forms R477*, R495*.
Identifiers: ClinVar variation 253251 (VCV000253251.29), dbSNP rs879255678, ClinGen allele CA10586252.

ClinVar aggregate classification (germline): Pathogenic. Review status: criteria provided, multiple submitters, no conflicts (2 of 4 stars). 14 submissions from 12 submitters: Pathogenic (13). 1 of the submissions does not count toward it. Last evaluated 2026-08-11.

Conditions:
Colorectal cancer. Also called: Malignant Colorectal Neoplasm; Colorectal cancer, somatic. Identifiers: MedGen C0346629, MONDO:0005575, OMIM 114500.
Familial spontaneous pneumothorax (PSP). Identifiers: Orphanet 2903, MedGen C1868193, MONDO:0008259, OMIM 173600.
Nonpapillary renal cell carcinoma. Identifiers: Orphanet 422526, MedGen CN074294, MONDO:0007763, OMIM 144700.
Birt-Hogg-Dube syndrome 1 (BHD1). Also called: FIBROFOLLICULOMAS WITH TRICHODISCOMAS AND ACROCHORDONS. Identifiers: Orphanet 122, MedGen CN375946, MONDO:0800445, OMIM 135150.
Birt-Hogg-Dube syndrome. Also called: Birt Hogg Dubé syndrome. Identifiers: Orphanet 122, MedGen C0346010, MONDO:0800444.
17p11.2 microduplication syndrome (PTLS). Also called: CHROMOSOME 17p11.2 DUPLICATION SYNDROME; Potocki-Lupski syndrome; Duplication 17p11.2 syndrome; Potocki-Lupski syndrome (dup(17)(p11.2p11.2)). Identifiers: Orphanet 1713, MedGen C2931246, MONDO:0012574, OMIM 610883.
Carcinoma of colon (CRC). Also called: Colonic carcinoma; Colon carcinoma. Identifiers: MedGen C0699790, MONDO:0002032.
Inherited renal cancer.
Multiple monogenic benign skin tumours.
Hereditary cancer-predisposing syndrome. Also called: Neoplastic Syndromes, Hereditary; Hereditary Cancer Syndrome; Tumor predisposition; Hereditary neoplastic syndrome. Identifiers: Orphanet 140162, MedGen C0027672, MeSH D009386, MONDO:0015356.

Allele frequency attached by ClinVar (database versions not stated): gnomAD 0.00001 and below 0.00001.
gnomAD v4.1: 5 of 1,613,988 alleles (0.00031%); highest among the groups gnomAD compares: South Asian, 0.0033%; no homozygotes.

Submissions (14):

Genetics Laboratory, Great Ormond Street Hospital NHS Foundation Trust, North Thames Genomic Laboratory Hub
Classification: Pathogenic for Inherited renal cancer. Last evaluated: 2026-08-11. Review status: criteria provided, single submitter. Criteria: CanVIG Consensus Spec V3.0. Collection method: clinical testing. Allele origin: germline. Affected: yes.
Comment: PS4_supporting, PVS1_very-strong, PP4_supporting

Genetics Laboratory, Great Ormond Street Hospital NHS Foundation Trust, North Thames Genomic Laboratory Hub
Classification: Pathogenic for Multiple monogenic benign skin tumours. Last evaluated: 2026-08-11. Review status: criteria provided, single submitter. Criteria: CanVIG Consensus Spec V3.0. Collection method: clinical testing. Allele origin: germline. Affected: yes.
Comment: the same text as in the submission from Genetics Laboratory, Great Ormond Street Hospital NHS Foundation Trust, North Thames Genomic Laboratory Hub above.

Labcorp Genetics (formerly Invitae), Labcorp
Classification: Pathogenic for Birt-Hogg-Dube syndrome. Last evaluated: 2026-01-19. Review status: criteria provided, single submitter. Criteria: Invitae Variant Classification Sherloc (09022015). Collection method: clinical testing. Allele origin: germline.
Comment: This sequence change creates a premature translational stop signal (p.Arg477*) in the FLCN gene. It is expected to result in an absent or disrupted protein product. Loss-of-function variants in FLCN are known to be pathogenic (PMID: 15852235). This variant is not present in population databases (gnomAD no frequency). This premature translational stop signal has been observed in individual(s) with Birt-Hogg-Dubé syndrome (PMID: 15852235, 19457309, 20618353, 24393238, 28558743). This variant is also known as c.1884C>T. ClinVar contains an entry for this variant (Variation ID: 253251). For these reasons, this variant has been classified as Pathogenic.

Mayo Clinic Laboratories, Mayo Clinic
Classification: Pathogenic. Last evaluated: 2025-09-06. Review status: criteria provided, single submitter. Criteria: ACMG Guidelines, 2015. Collection method: clinical testing. Allele origin: germline. Observed: 3 variant alleles.
Comment: PM2_supporting, PS4_moderate, PVS1

Fulgent Genetics
Classification: Pathogenic for Colorectal cancer; Birt-Hogg-Dube syndrome 1; Nonpapillary renal cell carcinoma; Familial spontaneous pneumothorax. Last evaluated: 2024-05-15. Review status: criteria provided, single submitter. Criteria: ACMG Guidelines, 2015. Collection method: clinical testing. Allele origin: germline.

Ambry Genetics
Classification: Pathogenic for Hereditary cancer-predisposing syndrome. Last evaluated: 2024-05-07. Review status: criteria provided, single submitter. Criteria: Ambry Variant Classification Scheme 2023. Collection method: clinical testing. Allele origin: germline.
Comment: The p.R477* pathogenic mutation (also known as c.1429C>T), located in coding exon 9 of the FLCN gene, results from a C to T substitution at nucleotide position 1429. This changes the amino acid from an arginine to a stop codon within coding exon 9. This mutation has been reported in the literature in multiple individuals with clinical diagnoses of Birt-Hogg-Dub&eacute; (BHD) syndrome and primary spontaneous pneumothorax. Clinical findings reported in association with this mutation include BHD-associated cutaneous features, lung cysts, pneumothoraces, and renal cell carcinoma (Schmidt LS et al. Am. J. Hum. Genet. 2005 Jun; 76(6):1023-33; Graham RB et al. Am. J. Respir. Crit. Care Med. 2005 Jul; 172(1):39-44; Fuertes I et al. Actas Dermosifiliogr. 2009 Apr; 100(3):227-30; Maff&eacute; A et al. Clin. Genet. 2011 Apr; 79(4):345-54; Furuya M et al. Cancer Sci. 2015 Mar; 106(3):315-23; Liu Y et al. Orphanet J Rare Dis. 2017 May 30;12(1):104). Of note, this alteration is also designated as c.1884C>T, p.477R>X, and R477X in published literature. This variant is considered to be rare based on population cohorts in the Genome Aggregation Database (gnomAD). In addition to the clinical data presented in the literature, this alteration is expected to result in loss of function by premature protein truncation or nonsense-mediated mRNA decay. As such, this alteration is interpreted as a disease-causing mutation.

Quest Diagnostics Nichols Institute San Juan Capistrano
Classification: Pathogenic. Last evaluated: 2023-06-18. Review status: criteria provided, single submitter. Criteria: Quest Diagnostics criteria. Collection method: clinical testing. Allele origin: unknown.
Comment: The FLCN c.1429C>T (p.Arg477*) variant causes the premature termination of FLCN protein synthesis. This variant has been reported in the published literature in affected individuals and families with Burt-Hogg-Dube Syndrome (BHD) (PMIDs: 15805188 (2005), 15852235 (2005), 20618353 (2011), 24393238 (2014), 25594584 (2015), 28558743 (2017), 30360018 (2019), 32782288 (2020), 34148334 (2021), 34703430 (2021), and 35639097 (2022)). This variant has not been reported in large, multi-ethnic general populations (Genome Aggregation Database). Based on the available information, this variant is classified as pathogenic.

Myriad Genetics, Inc.
Classification: Pathogenic for Birt-Hogg-Dube syndrome 1. Last evaluated: 2023-04-18. Review status: criteria provided, single submitter. Criteria: Myriad Autosomal Dominant, Autosomal Recessive and X-Linked Classification Criteria (2023). Collection method: clinical testing. Allele origin: unknown.
Comment: This variant is considered pathogenic. This variant creates a termination codon and is predicted to result in premature protein truncation.

Fulgent Genetics
Classification: Pathogenic for Colorectal cancer; Birt-Hogg-Dube syndrome 1; Nonpapillary renal cell carcinoma; Familial spontaneous pneumothorax; 17p11.2 microduplication syndrome. Last evaluated: 2018-10-31. Review status: criteria provided, single submitter. Criteria: ACMG Guidelines, 2015. Collection method: clinical testing. Allele origin: unknown.

Clinical Genetics and Genomics, Karolinska University Hospital
Classification: Pathogenic. Last evaluated: 2017-05-23. Review status: criteria provided, single submitter. Criteria: ACMG Guidelines, 2015. Collection method: clinical testing. Allele origin: germline. Affected: yes. Observed: 2 variant alleles.

ARUP Laboratories, Molecular Genetics and Genomics, ARUP Laboratories
Classification: Pathogenic. Last evaluated: 2016-12-02. Review status: criteria provided, single submitter. Criteria: ARUP Molecular Germline Variant Investigation Process. Collection method: clinical testing. Allele origin: germline.

Genomic Diagnostic Laboratory, Division of Genomic Diagnostics, Children's Hospital of Philadelphia
Classification: Pathogenic for Birt-Hogg-Dube Syndrome. Last evaluated: 2016-07-18. Review status: criteria provided, single submitter. Criteria: DGD Variant Analysis Guidelines. Collection method: clinical testing. Allele origin: germline. Affected: yes. Observed: 2 variant alleles.
Comment: Clinical Testing

GeneDx
Classification: Pathogenic. Last evaluated: 2015-08-14. Review status: criteria provided, single submitter. Criteria: GeneDx Variant Classification (06012015). Collection method: clinical testing. Allele origin: germline. Affected: yes.
Comment: The R477X nonsense variant in the FLCN gene has been reported previously in association with Birt-Hogg-Dube Syndrome (BHD) (Furuya et al., 2015; Schmidt et al., 2005). It has also been reported in a family with pneumothorax and blebs (Graham et al., 2005). This variant is predicted to cause loss of normal protein function either through protein truncation or nonsense-mediated mRNA decay.

Division of Respiratory Medicine of Juntendo University, Juntendo University Faculty of Medicine and Graduate School of Medicine
Classification: Pathogenic for Birt-Hogg-Dube syndrome 1. Last evaluated: 2023-07-01. Review status: no assertion criteria provided. Collection method: clinical testing. Allele origin: germline. Affected: yes. Not counted in ClinVar's aggregate classification.

Literature cited by the submitters: PubMed 15852235 (cited by 4 submitters); PubMed 19457309 (cited by 3 submitters); PubMed 20618353 (cited by 4 submitters); PubMed 24393238 (cited by 3 submitters); PubMed 28558743 (cited by 3 submitters); PubMed 25594584 (cited by 3 submitters); PubMed 30360018 (cited by Mayo Clinic Laboratories, Mayo Clinic and Quest Diagnostics Nichols Institute San Juan Capistrano); PubMed 32782288 (cited by Mayo Clinic Laboratories, Mayo Clinic and Quest Diagnostics Nichols Institute San Juan Capistrano); PubMed 34148334 (cited by Mayo Clinic Laboratories, Mayo Clinic and Quest Diagnostics Nichols Institute San Juan Capistrano); PubMed 34703430 (cited by Mayo Clinic Laboratories, Mayo Clinic and Quest Diagnostics Nichols Institute San Juan Capistrano); PubMed 15805188 (cited by Ambry Genetics and Quest Diagnostics Nichols Institute San Juan Capistrano); PubMed 35639097 (cited by Quest Diagnostics Nichols Institute San Juan Capistrano).